The following is an entry in ClinVar:

ClinVar aggregate classification (germline): Likely benign (1 of 4 stars; one submission).

Allele frequency attached by ClinVar (database versions not stated): gnomAD exomes below 0.00001; ExAC 0.00001; gnomAD 0.00001.
gnomAD v4.1: 7 of 1,610,884 alleles (0.00043%); highest among the groups gnomAD compares: Non-Finnish European, 0.00059%; no homozygotes.

Submission:

CeGaT Center for Human Genetics Tuebingen
Classification: Likely benign. Last evaluated: 2023-02-01. Review status: criteria provided, single submitter. Criteria: CeGaT Center For Human Genetics Tuebingen Variant Classification Criteria Version 2. Collection method: clinical testing. Allele origin: germline. Affected: yes. Observed: 1 variant allele.
Comment: REL: BP4, BP7

NM_001291746.2(REL):c.906A>G (p.Lys302=)

Gene: REL (REL proto-oncogene, NF-kB subunit; plus strand). Cytogenetic location: 2p16.1.
Variant type: single nucleotide variant.
Coding change: c.906A>G on transcript NM_001291746.2 (MANE Select); coding-DNA position 906, A replaced by G.
Protein change: p.Lys302=; no amino-acid change (lysine 302 retained).
Molecular consequence: synonymous variant.
Genome position (GRCh38, 1-based): chr2:60,920,093, A>G. VCF-style: chr2-60920093-A-G. GRCh37 (hg19) VCF-style: chr2-61147228-A-G.
Other names: c.906A>G, p.Lys302= (NM_002908.4).
Identifiers: ClinVar variation 2650970 (VCV002650970.24), dbSNP rs781675039, ClinGen allele CA1672340.
Genomic context (GRCh38, chr2:60,920,093, plus strand): 5'-CTAATCAGATACTTACGGCAATAAAGCAAAGAAACAAAAGACAACTCTGCTTTTCCAGAA[A>G]CTGTGCCAGGATCACGGTAAGAATAGTTTGGATCGATTCATATTTAAATAGGTTTTGTTT-3'
Protein context (NP_001278675.1, residues 292-312): KKQKTTLLFQ[Lys302=]LCQDHVNFPE